The following is an entry in ClinVar:

NM_152296.5(ATP1A3):c.665_666delinsTG (p.Thr222Met)

Gene: ATP1A3 (ATPase Na+/K+ transporting subunit alpha 3; minus strand). Cytogenetic location: 19q13.2.
Variant type: Indel.
Coding change: c.665_666delinsTG on transcript NM_152296.5 (MANE Select); coding-DNA positions 665 to 666, CT replaced by TG.
Protein change: p.Thr222Met; replaces threonine 222 with methionine.
Molecular consequence: missense variant.
Genome position (GRCh38, 1-based): chr19:41,985,364-41,985,365, AG replaced by CA on the plus strand (CT replaced by TG on the coding strand, the reverse complement: ATP1A3 is on the minus strand). VCF-style: chr19-41985364-AG-CA. GRCh37 (hg19) VCF-style: chr19-42489516-AG-CA.
Other names: c.698_699delinsTG, p.Thr233Met (NM_001256213.2); c.704_705delinsTG, p.Thr235Met (NM_001256214.2); short protein forms T233M, T235M, T222M.
Identifiers: ClinVar variation 1435421 (VCV001435421.6), dbSNP rs2145978673, ClinGen allele CA2573156418.

ClinVar aggregate classification (germline): Uncertain significance (1 of 4 stars; one submission).

Conditions:
Dystonia 12 (DYT12). Also called: DYT-ATP1A3; Rapid-Onset Dystonia-Parkinsonism (RDP). Identifiers: Orphanet 71517, MedGen C1868681, MONDO:0007496, OMIM 128235.

Submission:

Labcorp Genetics (formerly Invitae), Labcorp
Classification: Uncertain significance for Dystonia 12. Last evaluated: 2025-05-17. Review status: criteria provided, single submitter. Criteria: Invitae Variant Classification Sherloc (09022015). Collection method: clinical testing. Allele origin: germline.
Comment: This sequence change replaces threonine, which is neutral and polar, with methionine, which is neutral and non-polar, at codon 222 of the ATP1A3 protein (p.Thr222Met). Information on the frequency of this variant in the gnomAD database is not available, as this variant may be reported differently in the database. This variant has not been reported in the literature in individuals affected with ATP1A3-related conditions. ClinVar contains an entry for this variant (Variation ID: 1435421). An algorithm developed to predict the effect of missense changes on protein structure and function (PolyPhen-2) suggests that this variant is likely to be disruptive. In summary, the available evidence is currently insufficient to determine the role of this variant in disease. Therefore, it has been classified as a Variant of Uncertain Significance.